The following is an entry in ClinVar:

NM_206933.4(USH2A):c.12502T>A (p.Ser4168Thr)

Gene: USH2A (usherin; minus strand). Cytogenetic location: 1q41.
Variant type: single nucleotide variant.
Coding change: c.12502T>A on transcript NM_206933.4 (MANE Select); coding-DNA position 12502, T replaced by A.
Protein change: p.Ser4168Thr; replaces serine 4168 with threonine.
Molecular consequence: missense variant.
Genome position (GRCh38, 1-based): chr1:215,675,409, A>T on the plus strand (T>A on the coding strand, the complement: USH2A is on the minus strand). VCF-style: chr1-215675409-A-T. GRCh37 (hg19) VCF-style: chr1-215848751-A-T.
Other names: short protein forms S4168T.
Identifiers: ClinVar variation 1509181 (VCV001509181.3), dbSNP rs2102666831, ClinGen allele CA344850767.

ClinVar aggregate classification (germline): Uncertain significance (1 of 4 stars; one submission).

Submission:

Labcorp Genetics (formerly Invitae), Labcorp
Classification: Uncertain significance. Last evaluated: 2021-07-31. Review status: criteria provided, single submitter. Criteria: Invitae Variant Classification Sherloc (09022015). Collection method: clinical testing. Allele origin: germline.
Comment: This sequence change replaces serine with threonine at codon 4168 of the USH2A protein (p.Ser4168Thr). The serine residue is weakly conserved and there is a small physicochemical difference between serine and threonine. This variant is not present in population databases (ExAC no frequency). This variant has not been reported in the literature in individuals affected with USH2A-related conditions. Algorithms developed to predict the effect of missense changes on protein structure and function (SIFT, PolyPhen-2, Align-GVGD) all suggest that this variant is likely to be tolerated. In summary, the available evidence is currently insufficient to determine the role of this variant in disease. Therefore, it has been classified as a Variant of Uncertain Significance.